The following is an entry in ClinVar:

ClinVar aggregate classification (germline): Likely benign. Review status: criteria provided, single submitter (1 of 4 stars). 2 submissions from 2 submitters: Likely benign (1). 1 of the submissions does not count toward it. Last evaluated 2026-01-05.

Conditions:
Epilepsy. Also called: Seizure disorder. Identifiers: MedGen C0014544, MeSH D004827, MONDO:0005027.
PIGQ-related disorder. Also called: PIGQ-related condition.

Allele frequency attached by ClinVar (database versions not stated): TOPMed 0.00012; 1000 Genomes Project 30x 0.00016.
gnomAD v4.1: 75 of 1,603,890 alleles (0.0047%); highest among the groups gnomAD compares: East Asian, 0.022%; no homozygotes.

Submissions (2):

Labcorp Genetics (formerly Invitae), Labcorp
Classification: Likely benign for Epilepsy. Last evaluated: 2026-01-05. Review status: criteria provided, single submitter. Criteria: Invitae Variant Classification Sherloc (09022015). Collection method: clinical testing. Allele origin: germline.

PreventionGenetics, part of Exact Sciences
Classification: Likely benign for PIGQ-related condition. Last evaluated: 2024-06-21. Review status: no assertion criteria provided. Collection method: clinical testing. Allele origin: germline. Not counted in ClinVar's aggregate classification.
Comment: This variant is classified as likely benign based on ACMG/AMP sequence variant interpretation guidelines (Richards et al. 2015 PMID: 25741868, with internal and published modifications).

NM_004204.5(PIGQ):c.477G>A (p.Thr159=)

Gene: PIGQ (phosphatidylinositol glycan anchor biosynthesis class Q; plus strand). Cytogenetic location: 16p13.3.
Variant type: single nucleotide variant.
Coding change: c.477G>A on transcript NM_004204.5 (MANE Select); coding-DNA position 477, G replaced by A.
Protein change: p.Thr159=; no amino-acid change (threonine 159 retained).
Molecular consequence: synonymous variant.
Genome position (GRCh38, 1-based): chr16:574,551, G>A. VCF-style: chr16-574551-G-A. GRCh37 (hg19) VCF-style: chr16-624551-G-A.
Other names: c.477G>A, p.Thr159= (NM_148920.4).
Identifiers: ClinVar variation 526284 (VCV000526284.13), dbSNP rs752792719, ClinGen allele CA7779878.
Genomic context (GRCh38, chr16:574,551, plus strand): 5'-ACAGCTACACCTGCCCACCGTCCTGCCCGACCGCCAGGCTGGAGCCACCACTGCCAGCAC[G>A]GGGGGCCTGGCTGCCGTCTTCGACACGGTAGCACGCAGTGAGGTGCTCTTCCGCAGTGAC-3'
Protein context (NP_004195.2, residues 149-169): DRQAGATTAS[Thr159=]GGLAAVFDTV